The following is an entry in ClinVar:

ClinVar aggregate classification (germline): Conflicting classifications of pathogenicity. Review status: criteria provided, conflicting classifications (1 of 4 stars). 10 submissions from 10 submitters: Uncertain significance (8); Likely benign (1). 1 of the submissions does not count toward it. Last evaluated 2026-02-11.

Conditions:
Hereditary cancer-predisposing syndrome. Also called: Tumor predisposition; Neoplastic Syndromes, Hereditary; Hereditary Cancer Syndrome; Hereditary neoplastic syndrome. Identifiers: Orphanet 140162, MedGen C0027672, MeSH D009386, MONDO:0015356.
Hereditary breast ovarian cancer syndrome. Also called: Hereditary breast and/or ovarian cancer syndrome; Hereditary breast and ovarian cancer; Hereditary breast and ovarian cancer syndrome (HBOC); BRCA1- and BRCA2-Associated Hereditary Breast and Ovarian Cancer; Breast and ovarian cancer; Hereditary breast and ovarian cancer syndrome. Identifiers: Orphanet 145, MedGen C0677776, MeSH D061325, MONDO:0003582. Disease mechanism: loss of function.
Breast-ovarian cancer, familial, susceptibility to, 2 (BROVCA2). Also called: BRCA2 Hereditary Breast and Ovarian Cancer. Identifiers: Orphanet 145, MedGen C2675520, MONDO:0012933, OMIM 612555. Disease mechanism: loss of function.

Allele frequency attached by ClinVar (database versions not stated): TOPMed 0.00001.

Submissions (10):

Women's Health and Genetics/Laboratory Corporation of America, LabCorp
Classification: Uncertain significance. Last evaluated: 2026-02-11. Review status: criteria provided, single submitter. Criteria: LabCorp Variant Classification Summary - May 2015. Collection method: clinical testing. Allele origin: germline.

Labcorp Genetics (formerly Invitae), Labcorp
Classification: Uncertain significance for Hereditary breast ovarian cancer syndrome. Last evaluated: 2025-12-24. Review status: criteria provided, single submitter. Criteria: Invitae Variant Classification Sherloc (09022015). Collection method: clinical testing. Allele origin: germline.
Comment: This sequence change replaces serine, which is neutral and polar, with arginine, which is basic and polar, at codon 1748 of the BRCA2 protein (p.Ser1748Arg). This variant is not present in population databases (gnomAD no frequency). This variant has not been reported in the literature in individuals affected with BRCA2-related conditions. ClinVar contains an entry for this variant (Variation ID: 91409). Invitae Evidence Modeling of protein sequence and biophysical properties (such as structural, functional, and spatial information, amino acid conservation, physicochemical variation, residue mobility, and thermodynamic stability) indicates that this missense variant is not expected to disrupt BRCA2 protein function with a negative predictive value of 95%. In summary, the available evidence is currently insufficient to determine the role of this variant in disease. Therefore, it has been classified as a Variant of Uncertain Significance.

Color Diagnostics, LLC DBA Color Health
Classification: Uncertain significance for Hereditary cancer-predisposing syndrome. Last evaluated: 2025-03-17. Review status: criteria provided, single submitter. Criteria: ACMG Guidelines, 2015. Collection method: clinical testing. Allele origin: germline.
Comment: This missense variant replaces serine with arginine at codon 1748 of the BRCA2 protein. Computational prediction suggests that this variant may not impact protein structure and function. To our knowledge, functional studies have not been reported for this variant. A multifactorial analysis has reported a likelihood ratio for pathogenicity based on personal and family history of 0.192 from log(LR)=-0.716521978 for 2 carriers (PMID: 31853058). This variant has not been identified in the general population by the Genome Aggregation Database (gnomAD). The available evidence is insufficient to determine the role of this variant in disease conclusively. Therefore, this variant is classified as a Variant of Uncertain Significance.

Ambry Genetics
Classification: Uncertain significance for Hereditary cancer-predisposing syndrome. Last evaluated: 2024-03-27. Review status: criteria provided, single submitter. Criteria: Ambry Variant Classification Scheme 2023. Collection method: clinical testing. Allele origin: germline.
Comment: The p.S1748R variant (also known as c.5244C>A), located in coding exon 10 of the BRCA2 gene, results from a C to A substitution at nucleotide position 5244. The serine at codon 1748 is replaced by arginine, an amino acid with dissimilar properties. This amino acid position is not well conserved on limited sequence alignment. In addition, this alteration is predicted to be tolerated by in silico analysis. Since supporting evidence is limited at this time, the clinical significance of this alteration remains unclear.

All of Us Research Program, National Institutes of Health
Classification: Uncertain significance for Breast-ovarian cancer, familial, susceptibility to, 2. Last evaluated: 2023-03-23. Review status: criteria provided, single submitter. Criteria: ACMG Guidelines, 2015. Collection method: clinical testing. Allele origin: germline. Inheritance: Autosomal dominant inheritance. Observed: 2 variant alleles, 2 heterozygotes.
Comment: This missense variant replaces serine with arginine at codon 1748 of the BRCA2 protein. Computational prediction suggests that this variant may not impact protein structure and function (internally defined REVEL score threshold <= 0.5, PMID: 27666373). To our knowledge, functional studies have not been reported for this variant. This variant has not been reported in individuals affected with BRCA2-related disorders in the literature. This variant has not been identified in the general population by the Genome Aggregation Database (gnomAD). The available evidence is insufficient to determine the role of this variant in disease conclusively. Therefore, this variant is classified as a Variant of Uncertain Significance.

This study involves interpretation of variants in research participants for the purpose of population health screening. Participant phenotype was not available at the time of variant classification. Additional details can be found in publication PMID: 35346344, PMCID: PMC8962531

University of Washington Department of Laboratory Medicine, University of Washington
Classification: Likely benign for Hereditary cancer-predisposing syndrome. Last evaluated: 2023-03-23. Review status: criteria provided, single submitter. Criteria: Dines et al. (Genet Med. 2020). Collection method: curation. Allele origin: germline.
Comment: Missense variant in a coldspot region where missense variants are very unlikely to be pathogenic (PMID:31911673).

BRCA2 exon 11 coldspot. Reclassification based on statistical prior probability.

GeneDx
Classification: Uncertain significance. Last evaluated: 2017-09-22. Review status: criteria provided, single submitter. Criteria: GeneDx Variant Classification (06012015). Collection method: clinical testing. Allele origin: germline. Affected: yes.
Comment: This variant is denoted BRCA2 c.5244C>A at the cDNA level, p.Ser1748Arg (S1748R) at the protein level, and results in the change of a Serine to an Arginine (AGC>AGA). Using alternate nomenclature, this variant would be defined as BRCA2 5472C>A. This variant has not, to our knowledge, been published in the literature as pathogenic or benign. BRCA2 Ser1748Arg was not observed in large population cohorts (NHLBI Exome Sequencing Project, The 1000 Genomes Consortium 2015, Lek 2016). Since Serine and Arginine differ in some properties, this is considered a semi-conservative amino acid substitution. BRCA2 Ser1748Arg occurs at a position that is not conserved and is located within the RAD51 and POLH binding domains (Roy 2012, Buisson 2014). In silico analyses are inconsistent regarding the effect this variant may have on protein structure and function. Based on currently available information, it is unclear whether BRCA2 Ser1748Arg is pathogenic or benign. We consider it to be a variant of uncertain significance.

Quest Diagnostics Nichols Institute San Juan Capistrano
Classification: Uncertain significance. Last evaluated: 2017-06-04. Review status: criteria provided, single submitter. Criteria: Quest Diagnostics criteria. Collection method: clinical testing. Allele origin: germline.

Molecular Genetics Laboratory, University of Michigan
Classification: Uncertain significance for Breast-ovarian cancer, familial, susceptibility to, 2. Last evaluated: 2016-04-21. Review status: criteria provided, single submitter. Criteria: ACMG Guidelines, 2015. Collection method: clinical testing. Allele origin: germline. Affected: yes.

Sharing Clinical Reports Project (SCRP)
Classification: Uncertain significance for Breast-ovarian cancer, familial 2. Last evaluated: 2010-09-29. Review status: no assertion criteria provided. Collection method: clinical testing. Allele origin: germline. Not counted in ClinVar's aggregate classification.

Literature cited by the submitters: PubMed 31853058 (cited by Color Diagnostics, LLC DBA Color Health).

NM_000059.4(BRCA2):c.5244C>A (p.Ser1748Arg)

Gene: BRCA2 (BRCA2 DNA repair associated; plus strand). Cytogenetic location: 13q13.1.
Variant type: single nucleotide variant.
Coding change: c.5244C>A on transcript NM_000059.4 (MANE Select); coding-DNA position 5244, C replaced by A.
Protein change: p.Ser1748Arg; replaces serine 1748 with arginine.
Molecular consequence: missense variant.
Genome position (GRCh38, 1-based): chr13:32,339,599, C>A. VCF-style: chr13-32339599-C-A. GRCh37 (hg19) VCF-style: chr13-32913736-C-A.
Other names: p.S1748R:AGC>AGA; 5472C>A; short protein forms S1748R.
Identifiers: ClinVar variation 91409 (VCV000091409.27), dbSNP rs398122528, ClinGen allele CA021843.